The following is an entry in ClinVar:

NM_177438.3(DICER1):c.5251_5255del (p.Lys1751fs)

Gene: DICER1 (dicer 1, ribonuclease III; minus strand). Cytogenetic location: 14q32.13.
Variant type: Deletion.
Coding change: c.5251_5255del on transcript NM_177438.3 (MANE Select); coding-DNA positions 5251 to 5255, 5 bases deleted (AAGTA; older notation c.5251_5255delAAGTA).
Protein change: p.Lys1751fs; shifts the reading frame from lysine 1751.
Molecular consequence: frameshift variant.
Genome position (GRCh38, 1-based): chr14:95,093,997-95,094,001, TACTT deleted on the plus strand (AAGTA on the coding strand, the reverse complement: DICER1 is on the minus strand); deleting any 5 consecutive bases within chr14:95,093,997-95,094,004 gives the same sequence; the c. name uses the placement nearest the transcript's 3' end. VCF-style (leftmost placement, unchanged base first): chr14-95093996-GTACTT-G. GRCh37 (hg19) VCF-style: chr14-95560333-GTACTT-G.
Other names: c.5251_5255delAAGTA (NM_177438.2); c.5251_5255del, p.Lys1751fs (NM_001195573.1, NM_001271282.3, NM_001291628.2 and 1 more transcripts); short protein forms K1751fs.
Identifiers: ClinVar variation 254347 (VCV000254347.4), dbSNP rs886037726, ClinGen allele CA10586404.
Genomic context (GRCh38, chr14:95,093,996, plus strand): 5'-AAAGTCATCAATGACATGGAAGAGCTCAGGAGAGACAGCTTTGAAGTACTTGTGGTAGTC[GTACTT>G]TACAGCCAGCGATGCAAAGATGGTGTTGTTGACCAGGGCAGACCGCAGGTCTGTCAGGAC-3'

ClinVar aggregate classification (germline): Pathogenic. Review status: criteria provided, multiple submitters, no conflicts (2 of 4 stars). 2 submissions from 2 submitters: Pathogenic (2). Last evaluated 2019-07-01.

Conditions:
DICER1-related tumor predisposition. Also called: DICER1 syndrome; DICER1-related pleuropulmonary blastoma cancer predisposition syndrome. Identifiers: Orphanet 284343, MedGen C3839822, MONDO:0100216.

Submissions (2):

Foulkes Cancer Genetics LDI, Lady Davis Institute for Medical Research
Classification: Pathogenic for Pleuropulmonary blastoma. Last evaluated: 2019-07-01. Review status: criteria provided, single submitter. Criteria: ACMG Guidelines, 2015. Collection method: curation. Allele origin: germline. Affected: yes. Observed: 1 variant allele.
Comment: ACMG criteria met: PVS1, PM2, PP4

International Pleuropulmonary Blastoma Registry, Children's Hospitals and Clinics of Minnesota
Classification: Pathogenic for Pleuropulmonary blastoma. Last evaluated: 2014-11-10. Review status: criteria provided, single submitter. Criteria: Hill et al. (Science. 2009). Collection method: clinical testing. Allele origin: germline. Affected: yes. Study: PPB-DICER1 Genetic study.

Literature cited by the submitters: PubMed 26925222 (cited by Foulkes Cancer Genetics LDI, Lady Davis Institute for Medical Research and International Pleuropulmonary Blastoma Registry, Children's Hospitals and Clinics of Minnesota).